The following is an entry in ClinVar:

ClinVar aggregate classification (germline): Uncertain significance (1 of 4 stars; one submission).

Conditions:
Nemaline myopathy 2 (NEM2). Also called: Nemaline myopathy 2, autosomal recessive. Identifiers: MedGen C1850569, MONDO:0009725, OMIM 256030.

Submission:

Labcorp Genetics (formerly Invitae), Labcorp
Classification: Uncertain significance for Nemaline myopathy 2. Last evaluated: 2021-12-18. Review status: criteria provided, single submitter. Criteria: Invitae Variant Classification Sherloc (09022015). Collection method: clinical testing. Allele origin: germline.
Comment: This sequence change falls in intron 31 of the NEB gene. It does not directly change the encoded amino acid sequence of the NEB protein. It affects a nucleotide within the consensus splice site. This variant is present in population databases (rs74859201, gnomAD 0.003%). This variant has not been reported in the literature in individuals affected with NEB-related conditions. Variants that disrupt the consensus splice site are a relatively common cause of aberrant splicing (PMID: 17576681, 9536098). Algorithms developed to predict the effect of sequence changes on RNA splicing suggest that this variant may disrupt the consensus splice site. In summary, the available evidence is currently insufficient to determine the role of this variant in disease. Therefore, it has been classified as a Variant of Uncertain Significance.

Literature cited by the submitters: PubMed 17576681; PubMed 9536098.

NM_001164508.2(NEB):c.3147+5G>T

Gene: NEB (nebulin; minus strand). Cytogenetic location: 2q23.3.
Variant type: single nucleotide variant.
Coding change: c.3147+5G>T on transcript NM_001164508.2 (MANE Select); 5 bases into the intron after coding-DNA position 3147, G replaced by T.
Molecular consequence: intron variant.
Genome position (GRCh38, 1-based): chr2:151,679,913, C>A on the plus strand (G>T on the coding strand, the complement: NEB is on the minus strand). VCF-style: chr2-151679913-C-A. GRCh37 (hg19) VCF-style: chr2-152536427-C-A.
Other names: c.3147+5G>T (NM_004543.5, NM_001164507.2, NM_001271208.2).
Identifiers: ClinVar variation 2042062 (VCV002042062.1), dbSNP rs74859201, ClinGen allele CA1911009.
Genomic context (GRCh38, chr2:151,679,913, plus strand): 5'-ACAACTTAGAGACTGTGTTAGTAAAGTCTGGACATACGCATCAGCCCGTGAGTCCACCCA[C>A]GCACCTCACTGATATTGTAGGCATTAACTTTAGCCTGGATGAACTGGGGCAGGTCTGGTG-3'